The following is an entry in ClinVar:

ClinVar aggregate classification (germline): Likely benign (0 of 4 stars; one submission).

Conditions:
TNS1-related disorder. Also called: TNS1-related condition.

Allele frequency attached by ClinVar (database versions not stated): gnomAD exomes 0.00014; ExAC 0.00018; gnomAD 0.00024; ESP Exome Variant Server 0.00031; TOPMed 0.00048.
gnomAD v4.1: 255 of 1,601,288 alleles (0.016%); highest among the groups gnomAD compares: Admixed American, 0.055%; no homozygotes.

Submission:

PreventionGenetics, part of Exact Sciences
Classification: Likely benign for TNS1-related condition. Last evaluated: 2019-12-02. Review status: no assertion criteria provided. Collection method: clinical testing. Allele origin: germline.
Comment: This variant is classified as likely benign based on ACMG/AMP sequence variant interpretation guidelines (Richards et al. 2015 PMID: 25741868, with internal and published modifications).

NM_001387777.1(TNS1):c.4617C>T (p.Pro1539=)

Gene: TNS1 (tensin 1; minus strand). Cytogenetic location: 2q35.
Variant type: single nucleotide variant.
Coding change: c.4617C>T on transcript NM_001387777.1 (MANE Select); coding-DNA position 4617, C replaced by T.
Protein change: p.Pro1539=; no amino-acid change (proline 1539 retained).
Molecular consequence: synonymous variant.
Genome position (GRCh38, 1-based): chr2:217,817,715, G>A on the plus strand (C>T on the coding strand, the complement: TNS1 is on the minus strand). VCF-style: chr2-217817715-G-A. GRCh37 (hg19) VCF-style: chr2-218682438-G-A.
Other names: c.4266C>T, p.Pro1422= (NM_001308022.2); c.4242C>T, p.Pro1414= (NM_001308023.2); c.4305C>T, p.Pro1435= (NM_022648.7).
Identifiers: ClinVar variation 3048703 (VCV003048703.2), dbSNP rs148598641, ClinGen allele CA2099577.